The following is an entry in ClinVar:

NM_024809.5(TCTN2):c.*155G>A

Gene: TCTN2 (tectonic family member 2; plus strand). Cytogenetic location: 12q24.31.
Variant type: single nucleotide variant.
Coding change: c.*155G>A on transcript NM_024809.5 (MANE Select); 155 bases downstream of the stop codon, G replaced by A.
Molecular consequence: 3 prime UTR variant.
Genome position (GRCh38, 1-based): chr12:123,707,868, G>A. VCF-style: chr12-123707868-G-A. GRCh37 (hg19) VCF-style: chr12-124192415-G-A.
Other names: c.*155G>A (NM_001143850.3).
Identifiers: ClinVar variation 307564 (VCV000307564.9), dbSNP rs12811354, ClinGen allele CA10632201.

ClinVar aggregate classification (germline): Benign. Review status: criteria provided, multiple submitters, no conflicts (2 of 4 stars). 4 submissions from 3 submitters: Benign (4). Last evaluated 2018-06-14.

Conditions:
Joubert syndrome 24 (JBTS24). Identifiers: Orphanet 475, MedGen C4084841, MONDO:0014724, OMIM 616654.
Meckel syndrome, type 8. Identifiers: Orphanet 564, MedGen C3836857, MONDO:0013482, OMIM 613885.

Allele frequency attached by ClinVar (database versions not stated): 1000 Genomes Project 0.21685; 1000 Genomes Project 30x 0.21814; TOPMed 0.29887; gnomAD 0.30689 and 0.31018; gnomAD exomes 0.33466.
gnomAD v4.1: 220,040 of 669,578 alleles (33%); highest among the groups gnomAD compares: Non-Finnish European, 38%; 39,008 homozygotes.

Submissions (4):

GeneDx
Classification: Benign. Last evaluated: 2018-06-14. Review status: criteria provided, single submitter. Criteria: GeneDx Variant Classification Process June 2021. Collection method: clinical testing. Allele origin: germline. Affected: yes.

Illumina Laboratory Services, Illumina
Classification: Benign for Joubert syndrome 24. Last evaluated: 2018-01-12. Review status: criteria provided, single submitter. Criteria: ICSL Variant Classification Criteria 13 December 2019. Collection method: clinical testing. Allele origin: germline.
Comment: This variant was observed in the ICSL laboratory as part of a predisposition screen in an ostensibly healthy population. It had not been previously curated by ICSL or reported in the Human Gene Mutation Database (HGMD: prior to June 1st, 2018), and was therefore a candidate for classification through an automated scoring system. Utilizing variant allele frequency, disease prevalence and penetrance estimates, and inheritance mode, an automated score was calculated to assess if this variant is too frequent to cause the disease. Based on the score and internal cut-off values, a variant classified as benign is not then subjected to further curation. The score for this variant resulted in a classification of benign for this disease.

Illumina Laboratory Services, Illumina
Classification: Benign for Meckel syndrome, type 8. Last evaluated: 2018-01-12. Review status: criteria provided, single submitter. Criteria: ICSL Variant Classification Criteria 13 December 2019. Collection method: clinical testing. Allele origin: germline.
Comment: the same text as in the submission from Illumina Laboratory Services, Illumina above.

Breakthrough Genomics
Classification: Benign. Review status: criteria provided, single submitter. Criteria: ACMG Guidelines, 2015. Collection method: not provided. Allele origin: germline. Inheritance: Autosomal recessive inheritance. Affected: yes.